The following is an entry in ClinVar:

NM_152269.5(MTRFR):c.104_105delinsAT (p.Gly35Asp)

Gene: MTRFR (mitochondrial translation release factor in rescue; plus strand). Cytogenetic location: 12q24.31.
Variant type: Indel.
Coding change: c.104_105delinsAT on transcript NM_152269.5 (MANE Select); coding-DNA positions 104 to 105, GA replaced by AT.
Protein change: p.Gly35Asp; replaces glycine 35 with aspartic acid.
Molecular consequence: missense variant.
Genome position (GRCh38, 1-based): chr12:123,253,778-123,253,779, GA replaced by AT. VCF-style: chr12-123253778-GA-AT. GRCh37 (hg19) VCF-style: chr12-123738325-GA-AT.
Other names: c.104_105delinsAT, p.Gly35Asp (NM_001143905.2, NM_001194995.1); short protein forms G35D.
Identifiers: ClinVar variation 1681652 (VCV001681652.6), dbSNP rs2138792679, ClinGen allele CA2573148046.
Genomic context (GRCh38, chr12:123,253,778, plus strand): 5'-GAATATGCCCGGCGCCATGGGGACTCCGGCTTTGGGAGAAGCTGACGTTGTTATCCCCAG[GA>AT]ATAGCTGTCACTCCGGTCCAGATGGCAGGCAAGAAGGACTACCCTGCACTGCTTTCCTTG-3'
Protein context (NP_689482.1, residues 25-45): LWEKLTLLSP[Gly35Asp]IAVTPVQMAG

ClinVar aggregate classification (germline): Uncertain significance (1 of 4 stars; one submission).

Conditions:
Combined oxidative phosphorylation defect type 7. Identifiers: Orphanet 254930, MedGen C3150801, MONDO:0013306, OMIM 613559.
Spastic paraplegia. Identifiers: MedGen C0037772, HP:0001258.

Submission:

Labcorp Genetics (formerly Invitae), Labcorp
Classification: Uncertain significance for Combined oxidative phosphorylation defect type 7; Spastic paraplegia. Last evaluated: 2022-10-13. Review status: criteria provided, single submitter. Criteria: Invitae Variant Classification Sherloc (09022015). Collection method: clinical testing. Allele origin: germline.
Comment: ClinVar contains an entry for this variant (Variation ID: 1681652). This variant has not been reported in the literature in individuals affected with C12orf65-related conditions. Information on the frequency of this variant in the gnomAD database is not available, as this variant may be reported differently in the database. This sequence change replaces glycine, which is neutral and non-polar, with aspartic acid, which is acidic and polar, at codon 35 of the C12orf65 protein (p.Gly35Asp). Algorithms developed to predict the effect of missense changes on protein structure and function are either unavailable or do not agree on the potential impact of this missense change (SIFT: "Not Available"; PolyPhen-2: "Benign"; Align-GVGD: "Not Available"). In summary, the available evidence is currently insufficient to determine the role of this variant in disease. Therefore, it has been classified as a Variant of Uncertain Significance.